The following is an entry in ClinVar:

ClinVar aggregate classification (germline): Likely benign. Review status: criteria provided, single submitter (1 of 4 stars). 2 submissions from 2 submitters: Likely benign (1). 1 of the submissions does not count toward it. Last evaluated 2024-02-01.

Conditions:
CFAP251-related disorder. Also called: CFAP251-related condition.

Allele frequency attached by ClinVar (database versions not stated): ESP Exome Variant Server 0.00008; 1000 Genomes Project 30x 0.00016; TOPMed 0.00035; ExAC 0.00064; 1000 Genomes Project 0.00020; gnomAD 0.00027; gnomAD exomes 0.00028.
gnomAD v4.1: 463 of 1,614,126 alleles (0.029%); highest among the groups gnomAD compares: East Asian, 0.54%; 4 homozygotes.

Submissions (2):

CeGaT Center for Human Genetics Tuebingen
Classification: Likely benign. Last evaluated: 2024-02-01. Review status: criteria provided, single submitter. Criteria: CeGaT Center For Human Genetics Tuebingen Variant Classification Criteria Version 2. Collection method: clinical testing. Allele origin: germline. Affected: yes. Observed: 1 variant allele.
Comment: CFAP251: BP4

PreventionGenetics, part of Exact Sciences
Classification: Benign for CFAP251-related condition. Last evaluated: 2019-08-29. Review status: no assertion criteria provided. Collection method: clinical testing. Allele origin: germline. Not counted in ClinVar's aggregate classification.
Comment: This variant is classified as benign based on ACMG/AMP sequence variant interpretation guidelines (Richards et al. 2015 PMID: 25741868, with internal and published modifications).

NM_144668.6(CFAP251):c.3114G>C (p.Lys1038Asn)

Gene: CFAP251 (cilia and flagella associated protein 251; plus strand). Cytogenetic location: 12q24.31.
Variant type: single nucleotide variant.
Coding change: c.3114G>C on transcript NM_144668.6 (MANE Select); coding-DNA position 3114, G replaced by C.
Protein change: p.Lys1038Asn; replaces lysine 1038 with asparagine.
Molecular consequence: missense variant.
Genome position (GRCh38, 1-based): chr12:121,999,823, G>C. VCF-style: chr12-121999823-G-C. GRCh37 (hg19) VCF-style: chr12-122437729-G-C.
Other names: c.3114G>C (NM_144668.5); short protein forms K1038N.
Identifiers: ClinVar variation 3025130 (VCV003025130.23), dbSNP rs201018883, ClinGen allele CA6841092.